The following is an entry in ClinVar:

ClinVar aggregate classification (germline): Uncertain significance (1 of 4 stars; one submission).

Conditions:
Epidermodysplasia verruciformis. Identifiers: Orphanet 302, MedGen C0014522, MONDO:0009176.

Allele frequency attached by ClinVar (database versions not stated): gnomAD exomes below 0.00001 and 0.00001; gnomAD 0.00001; TOPMed 0.00005.
gnomAD v4.1: 4 of 1,585,874 alleles (0.00025%); highest among the groups gnomAD compares: Admixed American, 0.0054%; no homozygotes.

Submission:

Labcorp Genetics (formerly Invitae), Labcorp
Classification: Uncertain significance for Epidermodysplasia verruciformis. Last evaluated: 2022-02-02. Review status: criteria provided, single submitter. Criteria: Invitae Variant Classification Sherloc (09022015). Collection method: clinical testing. Allele origin: germline.
Comment: This variant has not been reported in the literature in individuals affected with TMC6-related conditions. This sequence change replaces arginine, which is basic and polar, with serine, which is neutral and polar, at codon 695 of the TMC6 protein (p.Arg695Ser). This variant is present in population databases (no rsID available, gnomAD 0.007%). Algorithms developed to predict the effect of missense changes on protein structure and function are either unavailable or do not agree on the potential impact of this missense change (SIFT: "Not Available"; PolyPhen-2: "Benign"; Align-GVGD: "Not Available"). In summary, the available evidence is currently insufficient to determine the role of this variant in disease. Therefore, it has been classified as a Variant of Uncertain Significance.

NM_001127198.5(TMC6):c.2085G>C (p.Arg695Ser)

Gene: TMC6 (transmembrane channel like 6; minus strand). Cytogenetic location: 17q25.3.
Variant type: single nucleotide variant.
Coding change: c.2085G>C on transcript NM_001127198.5 (MANE Select); coding-DNA position 2085, G replaced by C.
Protein change: p.Arg695Ser; replaces arginine 695 with serine.
Molecular consequence: missense variant. On other transcripts: non-coding transcript variant (4).
Genome position (GRCh38, 1-based): chr17:78,117,581, C>G on the plus strand (G>C on the coding strand, the complement: TMC6 is on the minus strand). VCF-style: chr17-78117581-C-G. GRCh37 (hg19) VCF-style: chr17-76113662-C-G.
Other names: c.2085G>C, p.Arg695Ser (NM_001321185.1, NM_001374596.1, NM_001375353.1 and 2 more transcripts); c.1905G>C, p.Arg635Ser (NM_001374593.1, NM_001374594.1); short protein forms R635S, R695S.
Identifiers: ClinVar variation 1516819 (VCV001516819.8), dbSNP rs1201341749, ClinGen allele CA401225428.
Genomic context (GRCh38, chr17:78,117,581, plus strand): 5'-GTGCACCCAGGGCAGCCAGGAGACCCTGGGGCCTGCCGCCTCCAGGTGGCGCACCCACAC[C>G]CTGCCGGCCTCGTACATGGTGTCCAGGGTCCGGAAGGGGCCGCAGGTGCTCGAGGGCTTC-3'
Protein context (NP_001120670.1, residues 685-705): RTLDTMYEAG[Arg695Ser]VWVRHLEAAG